The following is an entry in ClinVar:

NM_022765.4(MICAL1):c.1216G>A (p.Val406Met)

Gene: MICAL1 (microtubule associated monooxygenase, calponin and LIM domain containing 1; minus strand). Cytogenetic location: 6q21.
Variant type: single nucleotide variant.
Coding change: c.1216G>A on transcript NM_022765.4 (MANE Select); coding-DNA position 1216, G replaced by A.
Protein change: p.Val406Met; replaces valine 406 with methionine.
Molecular consequence: missense variant.
Genome position (GRCh38, 1-based): chr6:109,450,061, C>T on the plus strand (G>A on the coding strand, the complement: MICAL1 is on the minus strand). VCF-style: chr6-109450061-C-T. GRCh37 (hg19) VCF-style: chr6-109771264-C-T.
Other names: c.1216G>A (NM_022765.3); c.958G>A, p.Val320Met (NM_001159291.2); c.1273G>A, p.Val425Met (NM_001286613.2); short protein forms V406M, V425M, V320M.
Identifiers: ClinVar variation 3011613 (VCV003011613.4), dbSNP rs1775472008, ClinGen allele CA365230629.

ClinVar aggregate classification (germline): Uncertain significance. Review status: criteria provided, multiple submitters, no conflicts (2 of 4 stars). 2 submissions from 2 submitters: Uncertain significance (2). Last evaluated 2024-12-04.

Allele frequency attached by ClinVar (database versions not stated): gnomAD exomes below 0.00001; TOPMed below 0.00001; gnomAD 0.00001.
gnomAD v4.1: 4 of 1,613,988 alleles (0.00025%); highest among the groups gnomAD compares: African/African-American, 0.0027%; no homozygotes.

Submissions (2):

Ambry Genetics
Classification: Uncertain significance. Last evaluated: 2024-12-04. Review status: criteria provided, single submitter. Criteria: Ambry Variant Classification Scheme 2023. Collection method: clinical testing. Allele origin: germline.

Labcorp Genetics (formerly Invitae), Labcorp
Classification: Uncertain significance. Last evaluated: 2022-12-23. Review status: criteria provided, single submitter. Criteria: Invitae Variant Classification Sherloc (09022015). Collection method: clinical testing. Allele origin: germline.
Comment: This variant is not present in population databases (gnomAD no frequency). This sequence change replaces valine, which is neutral and non-polar, with methionine, which is neutral and non-polar, at codon 425 of the MICAL1 protein (p.Val425Met). This variant has not been reported in the literature in individuals affected with MICAL1-related conditions. Algorithms developed to predict the effect of missense changes on protein structure and function are either unavailable or do not agree on the potential impact of this missense change (SIFT: "Deleterious"; PolyPhen-2: "Probably Damaging"; Align-GVGD: "Class C0"). In summary, the available evidence is currently insufficient to determine the role of this variant in disease. Therefore, it has been classified as a Variant of Uncertain Significance.